The following is an entry in ClinVar:

NM_005529.7(HSPG2):c.5912G>T (p.Arg1971Leu)

Gene: HSPG2 (heparan sulfate proteoglycan 2; minus strand). Cytogenetic location: 1p36.12.
Variant type: single nucleotide variant.
Coding change: c.5912G>T on transcript NM_005529.7 (MANE Select); coding-DNA position 5912, G replaced by T.
Protein change: p.Arg1971Leu; replaces arginine 1971 with leucine.
Molecular consequence: missense variant.
Genome position (GRCh38, 1-based): chr1:21,855,389, C>A on the plus strand (G>T on the coding strand, the complement: HSPG2 is on the minus strand). VCF-style: chr1-21855389-C-A. GRCh37 (hg19) VCF-style: chr1-22181882-C-A.
Other names: c.5915G>T, p.Arg1972Leu (NM_001291860.2); short protein forms R1971L, R1972L.
Identifiers: ClinVar variation 1914330 (VCV001914330.5), dbSNP rs747058298, ClinGen allele CA671748.

ClinVar aggregate classification (germline): Uncertain significance (1 of 4 stars; one submission).

gnomAD v4.1: 5 of 1,612,848 alleles (0.00031%); highest among the groups gnomAD compares: African/African-American, 0.0013%; no homozygotes.

Submission:

Labcorp Genetics (formerly Invitae), Labcorp
Classification: Uncertain significance. Last evaluated: 2025-04-17. Review status: criteria provided, single submitter. Criteria: Invitae Variant Classification Sherloc (09022015). Collection method: clinical testing. Allele origin: germline.
Comment: This sequence change replaces arginine, which is basic and polar, with leucine, which is neutral and non-polar, at codon 1971 of the HSPG2 protein (p.Arg1971Leu). The frequency data for this variant in the population databases is considered unreliable, as metrics indicate poor data quality at this position in the gnomAD database. This variant has not been reported in the literature in individuals affected with HSPG2-related conditions. ClinVar contains an entry for this variant (Variation ID: 1914330). An algorithm developed to predict the effect of missense changes on protein structure and function (PolyPhen-2) suggests that this variant is likely to be tolerated. In summary, the available evidence is currently insufficient to determine the role of this variant in disease. Therefore, it has been classified as a Variant of Uncertain Significance.